The following is an entry in ClinVar:

ClinVar aggregate classification (germline): Uncertain significance (1 of 4 stars; one submission).

Submission:

CeGaT Center for Human Genetics Tuebingen
Classification: Uncertain significance. Last evaluated: 2024-07-01. Review status: criteria provided, single submitter. Criteria: CeGaT Center For Human Genetics Tuebingen Variant Classification Criteria Version 2. Collection method: clinical testing. Allele origin: germline. Affected: yes. Observed: 1 variant allele.
Comment: TTN: PM2

NM_001267550.2(TTN):c.104828G>A (p.Arg34943Gln)

Genes: TTN (titin; minus strand), TTN-AS1 (TTN antisense RNA 1; plus strand). Cytogenetic location: 2q31.2.
Variant type: single nucleotide variant.
Coding change: c.104828G>A on transcript NM_001267550.2 (MANE Select); coding-DNA position 104828, G replaced by A.
Protein change: p.Arg34943Gln; replaces arginine 34943 with glutamine.
Molecular consequence: missense variant.
Genome position (GRCh38, 1-based): chr2:178,531,787, C>T on the plus strand (G>A on the coding strand, the complement: TTN is on the minus strand). VCF-style: chr2-178531787-C-T. GRCh37 (hg19) VCF-style: chr2-179396514-C-T.
Other names: c.99905G>A, p.Arg33302Gln (NM_001256850.1); c.77633G>A, p.Arg25878Gln (NM_003319.4); c.97124G>A, p.Arg32375Gln (NM_133378.4); c.78008G>A, p.Arg26003Gln (NM_133432.3); c.78209G>A, p.Arg26070Gln (NM_133437.4); short protein forms R25878Q, R26003Q, R26070Q, R32375Q, R33302Q, R34943Q.
Identifiers: ClinVar variation 3257697 (VCV003257697.17).